The following is an entry in ClinVar:

ClinVar aggregate classification (germline): Uncertain significance (1 of 4 stars; one submission).

gnomAD v4.1: 2 of 1,591,708 alleles (0.00013%); highest among the groups gnomAD compares: Admixed American, 0.0035%; no homozygotes.

Submission:

GeneDx
Classification: Uncertain significance. Last evaluated: 2024-07-25. Review status: criteria provided, single submitter. Criteria: GeneDx Variant Classification Process June 2021. Collection method: clinical testing. Allele origin: germline. Affected: yes.
Comment: Not observed at significant frequency in large population cohorts (gnomAD); In silico analysis indicates that this missense variant does not alter protein structure/function; Has not been previously published as pathogenic or benign to our knowledge

NM_003672.4(CDC14A):c.998T>C (p.Val333Ala)

Gene: CDC14A (cell division cycle 14A; plus strand). Cytogenetic location: 1p21.2.
Variant type: single nucleotide variant.
Coding change: c.998T>C on transcript NM_003672.4 (MANE Select); coding-DNA position 998, T replaced by C.
Protein change: p.Val333Ala; replaces valine 333 with alanine.
Molecular consequence: missense variant.
Genome position (GRCh38, 1-based): chr1:100,484,312, T>C. VCF-style: chr1-100484312-T-C. GRCh37 (hg19) VCF-style: chr1-100949868-T-C.
Other names: c.998T>C, p.Val333Ala (NM_001319210.2, NM_033312.3, NM_033313.3); c.824T>C, p.Val275Ala (NM_001319211.2); c.119T>C, p.Val40Ala (NM_001319212.2); short protein forms V275A, V333A, V40A.
Identifiers: ClinVar variation 3600738 (VCV003600738.1).